The following is an entry in ClinVar:

NM_007294.4(BRCA1):c.5011A>G (p.Lys1671Glu)

Gene: BRCA1 (BRCA1 DNA repair associated; minus strand). Cytogenetic location: 17q21.31.
Variant type: single nucleotide variant.
Coding change: c.5011A>G on transcript NM_007294.4 (MANE Select); coding-DNA position 5011, A replaced by G.
Protein change: p.Lys1671Glu; replaces lysine 1671 with glutamic acid.
Molecular consequence: missense variant. On other transcripts: non-coding transcript variant (1).
Genome position (GRCh38, 1-based): chr17:43,067,671, T>C on the plus strand (A>G on the coding strand, the complement: BRCA1 is on the minus strand). VCF-style: chr17-43067671-T-C. GRCh37 (hg19) VCF-style: chr17-41219688-T-C.
Other names: c.4867A>G, p.Lys1623Glu (NM_001407734.1, NM_001407745.1, NM_001407746.1 and 21 more transcripts); c.4864A>G, p.Lys1622Glu (NM_001407838.1, NM_001407850.1, NM_001407851.1 and 12 more transcripts); c.5011A>G, p.Lys1671Glu (NM_001407854.1, NM_001407593.1, NM_001407594.1 and 8 more transcripts); c.5008A>G, p.Lys1670Glu (NM_001407858.1, NM_001407859.1, NM_001407860.1 and 17 more transcripts); c.5005A>G, p.Lys1669Glu (NM_001407861.1, NM_001407627.1, NM_001407628.1 and 14 more transcripts); c.4801A>G, p.Lys1601Glu (NM_001407887.1, NM_001407889.1, NM_001407879.1 and 5 more transcripts); c.4798A>G, p.Lys1600Glu (NM_001407894.1, NM_001407895.1, NM_001407896.1 and 12 more transcripts); c.4795A>G, p.Lys1599Glu (NM_001407918.1, NM_001407915.1, NM_001407916.1 and 1 more transcripts); and 70 more; short protein forms K1624E, K1692E, K567E, K1671E, K1502E, K1543E, K1544E, K1600E.
Identifiers: ClinVar variation 867535 (VCV000867535.3), dbSNP rs2052181996, ClinGen allele CA10591497.
Genomic context (GRCh38, chr17:43,067,671, plus strand): 5'-TTTTCATAACAACATGAGTAGTCTCTTCAGTAATTAGATTAGTTAAAGTGATGTGGTGTT[T>C]TCTGGCAAACTTGTACACGAGCATCTGAAATTAAATCAAATATTCCATTATCATGAGTTA-3'
Protein context (NP_009225.1, residues 1661-1681): EFMLVYKFAR[Lys1671Glu]HHITLTNLIT

Conditions:
Breast-ovarian cancer, familial, susceptibility to, 1 (BROVCA1). Also called: BRCA1 Hereditary Breast and Ovarian Cancer; OVARIAN CANCER, SUSCEPTIBILITY TO. Identifiers: Orphanet 145, MedGen C2676676, MONDO:0011450, OMIM 604370. Disease mechanism: loss of function.

Submission:

Brotman Baty Institute, University of Washington
No classification provided (evidence only). Condition: Breast-ovarian cancer, familial 1. Review status: no classification provided. Collection method: in vitro. Allele origin: not applicable. Functional consequence: functionally_normal.
ClinVar note: "not provided" was previously submitted as the classification for the variant. However, the classification appeared to be based only on an observation of functional data so it was converted to no classification on 2025-07-30.